The following is an entry in ClinVar:

ClinVar aggregate classification (germline): Uncertain significance (1 of 4 stars; one submission).

gnomAD v4.1: 7 of 1,613,280 alleles (0.00043%); highest among the groups gnomAD compares: Admixed American, 0.01%; no homozygotes.

Submission:

Ambry Genetics
Classification: Uncertain significance. Last evaluated: 2022-12-07. Review status: criteria provided, single submitter. Criteria: Ambry Variant Classification Scheme 2023. Collection method: clinical testing. Allele origin: germline.
Comment: The p.I272M variant (also known as c.816C>G), located in coding exon 8 of the RAD54L gene, results from a C to G substitution at nucleotide position 816. The isoleucine at codon 272 is replaced by methionine, an amino acid with highly similar properties. This amino acid position is conserved. In addition, this alteration is predicted to be deleterious by in silico analysis. Since supporting evidence is limited at this time, the clinical significance of this alteration remains unclear.

NM_003579.4(RAD54L):c.816C>G (p.Ile272Met)

Gene: RAD54L (RAD54 like; plus strand). Cytogenetic location: 1p34.1.
Variant type: single nucleotide variant.
Coding change: c.816C>G on transcript NM_003579.4 (MANE Select); coding-DNA position 816, C replaced by G.
Protein change: p.Ile272Met; replaces isoleucine 272 with methionine.
Molecular consequence: missense variant.
Genome position (GRCh38, 1-based): chr1:46,261,310, C>G. VCF-style: chr1-46261310-C-G. GRCh37 (hg19) VCF-style: chr1-46726982-C-G.
Other names: c.816C>G, p.Ile272Met (NM_001142548.2); c.276C>G, p.Ile92Met (NM_001370766.1); short protein forms I272M, I92M.
Identifiers: ClinVar variation 2466891 (VCV002466891.2), dbSNP rs762075828, ClinGen allele CA834382.